The following is an entry in ClinVar:

ClinVar aggregate classification (germline): Uncertain significance. Review status: criteria provided, multiple submitters, no conflicts (2 of 4 stars). 2 submissions from 2 submitters: Uncertain significance (2). Last evaluated 2024-11-18.

Conditions:
Inborn genetic diseases. Identifiers: MedGen C0950123, MeSH D030342.

Allele frequency attached by ClinVar (database versions not stated): TOPMed below 0.00001; gnomAD exomes 0.00003; ExAC 0.00007.
gnomAD v4.1: 17 of 1,601,868 alleles (0.0011%); highest among the groups gnomAD compares: Admixed American, 0.025%; no homozygotes.

Submissions (2):

Ambry Genetics
Classification: Uncertain significance for Inborn genetic diseases. Last evaluated: 2024-11-18. Review status: criteria provided, single submitter. Criteria: Ambry Variant Classification Scheme 2023. Collection method: clinical testing. Allele origin: germline.

Labcorp Genetics (formerly Invitae), Labcorp
Classification: Uncertain significance. Last evaluated: 2024-08-05. Review status: criteria provided, single submitter. Criteria: Invitae Variant Classification Sherloc (09022015). Collection method: clinical testing. Allele origin: germline.
Comment: This sequence change replaces leucine, which is neutral and non-polar, with proline, which is neutral and non-polar, at codon 5 of the RASGRP2 protein (p.Leu5Pro). This variant is present in population databases (rs562383121, gnomAD 0.03%). This variant has not been reported in the literature in individuals affected with RASGRP2-related conditions. ClinVar contains an entry for this variant (Variation ID: 2071358). An algorithm developed to predict the effect of missense changes on protein structure and function (PolyPhen-2) suggests that this variant¬†is likely to be tolerated. In summary, the available evidence is currently insufficient to determine the role of this variant in disease. Therefore, it has been classified as a Variant of Uncertain Significance.

NM_001098671.2(RASGRP2):c.14T>C (p.Leu5Pro)

Genes: RASGRP2 (RAS guanyl releasing protein 2; minus strand), LOC130005945 (ATAC-STARR-seq lymphoblastoid silent region 3482; plus strand). Cytogenetic location: 11q13.1.
Variant type: single nucleotide variant.
Coding change: c.14T>C on transcript NM_001098671.2 (MANE Select); coding-DNA position 14, T replaced by C.
Protein change: p.Leu5Pro; replaces leucine 5 with proline.
Molecular consequence: missense variant. On other transcripts: 5 prime UTR variant (1).
Genome position (GRCh38, 1-based): chr11:64,742,853, A>G on the plus strand (T>C on the coding strand, the complement: RASGRP2 is on the minus strand). VCF-style: chr11-64742853-A-G. GRCh37 (hg19) VCF-style: chr11-64510325-A-G.
Other names: c.14T>C, p.Leu5Pro (NM_001098670.2, NM_153819.2); c.-342T>C (NM_001318398.2); short protein forms L5P.
Identifiers: ClinVar variation 2071358 (VCV002071358.4), dbSNP rs562383121, ClinGen allele CA6079409.